The following is an entry in ClinVar:

ClinVar aggregate classification (germline): Uncertain significance (1 of 4 stars; one submission).

Submission:

Labcorp Genetics (formerly Invitae), Labcorp
Classification: Uncertain significance. Last evaluated: 2024-08-16. Review status: criteria provided, single submitter. Criteria: Invitae Variant Classification Sherloc (09022015). Collection method: clinical testing. Allele origin: germline.
Comment: This sequence change replaces proline, which is neutral and non-polar, with serine, which is neutral and polar, at codon 1013 of the GUCY2C protein (p.Pro1013Ser). This variant is not present in population databases (gnomAD no frequency). This variant has not been reported in the literature in individuals affected with GUCY2C-related conditions. An algorithm developed to predict the effect of missense changes on protein structure and function (PolyPhen-2) suggests that this variant is likely to be disruptive. In summary, the available evidence is currently insufficient to determine the role of this variant in disease. Therefore, it has been classified as a Variant of Uncertain Significance.

NM_004963.4(GUCY2C):c.3037C>T (p.Pro1013Ser)

Genes: GUCY2C (guanylate cyclase 2C; minus strand), PLBD1-AS1 (PLBD1 antisense RNA 1; plus strand), LOC130007489 (ATAC-STARR-seq lymphoblastoid silent region 4275; plus strand). Cytogenetic location: 12p12.3.
Variant type: single nucleotide variant.
Coding change: c.3037C>T on transcript NM_004963.4 (MANE Select); coding-DNA position 3037, C replaced by T.
Protein change: p.Pro1013Ser; replaces proline 1013 with serine.
Molecular consequence: missense variant.
Genome position (GRCh38, 1-based): chr12:14,614,877, G>A on the plus strand (C>T on the coding strand, the complement: GUCY2C is on the minus strand). VCF-style: chr12-14614877-G-A. GRCh37 (hg19) VCF-style: chr12-14767811-G-A.
Other names: short protein forms P1013S.
Identifiers: ClinVar variation 3662652 (VCV003662652.2).
Genomic context (GRCh38, chr12:14,614,877, plus strand): 5'-AGCCAAGATCTCTAATTTCCTCCCTGTCCCTGCCACACCCAGAAGCTTACACAGTAGGAG[G>A]GGTTGGCAGGTTGAATTTCTGGTCCTTCATCCCAGTCAGCCAGTAGGTAGTCTCATTTCC-3'
Protein context (NP_004954.2, residues 1003-1023): MKDQKFNLPT[Pro1013Ser]PTVENQQRLQ